The following is an entry in ClinVar:

NM_000264.5(PTCH1):c.224C>T (p.Ala75Val)

Gene: PTCH1 (patched 1; minus strand). Cytogenetic location: 9q22.32.
Variant type: single nucleotide variant.
Coding change: c.224C>T on transcript NM_000264.5 (MANE Select); coding-DNA position 224, C replaced by T.
Protein change: p.Ala75Val; replaces alanine 75 with valine.
Molecular consequence: missense variant. On other transcripts: 5 prime UTR variant (4), non-coding transcript variant (1).
Genome position (GRCh38, 1-based): chr9:95,506,577, G>A on the plus strand (C>T on the coding strand, the complement: PTCH1 is on the minus strand). VCF-style: chr9-95506577-G-A. GRCh37 (hg19) VCF-style: chr9-98268859-G-A.
Other names: c.26C>T, p.Ala9Val (NM_001083602.3, NM_001354919.2); c.221C>T, p.Ala74Val (NM_001083603.3); c.-230C>T (NM_001083604.3, NM_001083605.3, NM_001083606.3 and 1 more transcripts); c.224C>T, p.Ala75Val (NM_001354918.2); short protein forms A74V, A9V, A75V.
Identifiers: ClinVar variation 2193478 (VCV002193478.4), dbSNP rs2118880967, ClinGen allele CA374120688.

ClinVar aggregate classification (germline): Uncertain significance. Review status: criteria provided, multiple submitters, no conflicts (2 of 4 stars). 2 submissions from 2 submitters: Uncertain significance (2). Last evaluated 2024-04-27.

Conditions:
Hereditary cancer-predisposing syndrome. Also called: Neoplastic Syndromes, Hereditary; Hereditary Cancer Syndrome; Hereditary neoplastic syndrome; Tumor predisposition. Identifiers: Orphanet 140162, MedGen C0027672, MeSH D009386, MONDO:0015356.
Gorlin syndrome. Also called: Nevoid Basal Cell Carcinoma Syndrome; Basal cell nevus syndrome. Identifiers: Orphanet 377, MedGen C0004779, MONDO:0007187.

Submissions (2):

Ambry Genetics
Classification: Uncertain significance for Hereditary cancer-predisposing syndrome. Last evaluated: 2024-04-27. Review status: criteria provided, single submitter. Criteria: Ambry Variant Classification Scheme 2023. Collection method: clinical testing. Allele origin: germline.
Comment: The p.A75V variant (also known as c.224C>T), located in coding exon 2 of the PTCH1 gene, results from a C to T substitution at nucleotide position 224. The alanine at codon 75 is replaced by valine, an amino acid with similar properties. This amino acid position is conserved. In addition, the in silico prediction for this alteration is inconclusive. Based on the available evidence, the clinical significance of this variant remains unclear.

Labcorp Genetics (formerly Invitae), Labcorp
Classification: Uncertain significance for Gorlin syndrome. Last evaluated: 2023-05-17. Review status: criteria provided, single submitter. Criteria: Invitae Variant Classification Sherloc (09022015). Collection method: clinical testing. Allele origin: germline.
Comment: This variant is not present in population databases (gnomAD no frequency). This sequence change replaces alanine, which is neutral and non-polar, with valine, which is neutral and non-polar, at codon 75 of the PTCH1 protein (p.Ala75Val). This variant has not been reported in the literature in individuals affected with PTCH1-related conditions. In summary, the available evidence is currently insufficient to determine the role of this variant in disease. Therefore, it has been classified as a Variant of Uncertain Significance. Advanced modeling of protein sequence and biophysical properties (such as structural, functional, and spatial information, amino acid conservation, physicochemical variation, residue mobility, and thermodynamic stability) performed at Invitae indicates that this missense variant is not expected to disrupt PTCH1 protein function. ClinVar contains an entry for this variant (Variation ID: 2193478).